The following is an entry in ClinVar:

ClinVar aggregate classification (germline): Likely pathogenic (1 of 4 stars; one submission).

Conditions:
Usher syndrome. Also called: Usher Syndromes; Usher's syndrome. Identifiers: Orphanet 886, MedGen CN469326, MeSH D052245, MONDO:0019501. Disease mechanism: loss of function.

Submission:

Women's Health and Genetics/Laboratory Corporation of America, LabCorp
Classification: Likely pathogenic for Retinitis pigmentosa-deafness syndrome. Last evaluated: 2023-02-27. Review status: criteria provided, single submitter. Criteria: LabCorp Variant Classification Summary - May 2015. Collection method: clinical testing. Allele origin: germline.
Comment: Variant summary: CDH23 c.9278+2T>A is located in a canonical splice-site and is predicted to affect mRNA splicing resulting in a significantly altered protein due to either exon skipping, shortening, or inclusion of intronic material. Several computational tools predict a significant impact on normal splicing: Three predict the variant abolishes the canonical 5' splicing donor site. However, these predictions have yet to be confirmed by functional studies. The variant was absent in 249210 control chromosomes (gnomAD). To our knowledge, no occurrence of c.9278+2T>A in individuals affected with Usher Syndrome and no experimental evidence demonstrating its impact on protein function have been reported. No clinical diagnostic laboratories have submitted clinical-significance assessments for this variant to ClinVar after 2014. Based on the evidence outlined above, the variant was classified as likely pathogenic.

NM_022124.6(CDH23):c.9278+2T>A

Gene: CDH23 (cadherin related 23; plus strand). Cytogenetic location: 10q22.1.
Variant type: single nucleotide variant.
Coding change: c.9278+2T>A on transcript NM_022124.6 (MANE Select); the canonical splice donor site of the intron after coding-DNA position 9278, T replaced by A.
Molecular consequence: splice donor variant.
Genome position (GRCh38, 1-based): chr10:71,811,592, T>A. VCF-style: chr10-71811592-T-A. GRCh37 (hg19) VCF-style: chr10-73571349-T-A.
Other names: c.2558+2T>A (NM_001171933.1, NM_001171934.1).
Identifiers: ClinVar variation 2445692 (VCV002445692.1), dbSNP rs2133002381, ClinGen allele CA377135518.